The following is an entry in ClinVar:

NM_000051.4(ATM):c.1553_1555del (p.Glu518del)

Gene: ATM (ATM serine/threonine kinase; plus strand). Cytogenetic location: 11q22.3.
Variant type: Deletion.
Coding change: c.1553_1555del on transcript NM_000051.4 (MANE Select); coding-DNA positions 1553 to 1555, 3 bases deleted (AGG; older notation c.1553_1555delAGG).
Protein change: p.Glu518del; deletes glutamic acid 518.
Molecular consequence: inframe deletion.
Genome position (GRCh38, 1-based): chr11:108,251,018-108,251,020, AGG deleted; deleting any 3 consecutive bases within chr11:108,251,017-108,251,020 gives the same sequence; the c. name uses the placement nearest the transcript's 3' end. VCF-style (leftmost placement, unchanged base first): chr11-108251016-TGAG-T. GRCh37 (hg19) VCF-style: chr11-108121743-TGAG-T.
Other names: c.1553_1555del, p.Glu518del (NM_001351834.2); short protein forms E518del.
Identifiers: ClinVar variation 3012440 (VCV003012440.3), dbSNP rs2497251538, ClinGen allele CA2740093200.

ClinVar aggregate classification (germline): Uncertain significance (1 of 4 stars; one submission).

Conditions:
Ataxia-telangiectasia syndrome (AT). Also called: LOUIS-BAR SYNDROME; Cerebello-oculocutaneous telangiectasia; Immunodeficiency with ataxia telangiectasia; Ataxia-telangiectasia, complementation group D; Ataxia-telangiectasia, complementation group E; Ataxia telangiectasia (A-T). Identifiers: Orphanet 100, MedGen C0004135, MONDO:0008840, OMIM 208900.

Submission:

Labcorp Genetics (formerly Invitae), Labcorp
Classification: Uncertain significance for Ataxia-telangiectasia syndrome. Last evaluated: 2022-12-12. Review status: criteria provided, single submitter. Criteria: Invitae Variant Classification Sherloc (09022015). Collection method: clinical testing. Allele origin: germline.
Comment: This variant, c.1553_1555del, results in the deletion of 1 amino acid(s) of the ATM protein (p.Glu518del), but otherwise preserves the integrity of the reading frame. This variant is not present in population databases (gnomAD no frequency). In summary, the available evidence is currently insufficient to determine the role of this variant in disease. Therefore, it has been classified as a Variant of Uncertain Significance. Experimental studies and prediction algorithms are not available or were not evaluated, and the functional significance of this variant is currently unknown. This variant has not been reported in the literature in individuals affected with ATM-related conditions.